The following is an entry in ClinVar:

ClinVar aggregate classification (germline): Uncertain significance. Review status: criteria provided, multiple submitters, no conflicts (2 of 4 stars). 2 submissions from 2 submitters: Uncertain significance (2). Last evaluated 2025-10-02.

Conditions:
Inborn genetic diseases. Identifiers: MedGen C0950123, MeSH D030342.

Allele frequency attached by ClinVar (database versions not stated): TOPMed 0.00001.

Submissions (2):

Ambry Genetics
Classification: Uncertain significance for Inborn genetic diseases. Last evaluated: 2025-10-02. Review status: criteria provided, single submitter. Criteria: Ambry Variant Classification Scheme 2023. Collection method: clinical testing. Allele origin: germline.

Labcorp Genetics (formerly Invitae), Labcorp
Classification: Uncertain significance. Last evaluated: 2025-01-21. Review status: criteria provided, single submitter. Criteria: Invitae Variant Classification Sherloc (09022015). Collection method: clinical testing. Allele origin: germline.
Comment: This sequence change replaces alanine, which is neutral and non-polar, with valine, which is neutral and non-polar, at codon 3338 of the KMT2A protein (p.Ala3338Val). This variant is not present in population databases (gnomAD no frequency). This variant has not been reported in the literature in individuals affected with KMT2A-related conditions. ClinVar contains an entry for this variant (Variation ID: 1952139). Invitae Evidence Modeling of protein sequence and biophysical properties (such as structural, functional, and spatial information, amino acid conservation, physicochemical variation, residue mobility, and thermodynamic stability) indicates that this missense variant is not expected to disrupt KMT2A protein function with a negative predictive value of 95%. In summary, the available evidence is currently insufficient to determine the role of this variant in disease. Therefore, it has been classified as a Variant of Uncertain Significance.

NM_001197104.2(KMT2A):c.10013C>T (p.Ala3338Val)

Gene: KMT2A (lysine methyltransferase 2A; plus strand). Cytogenetic location: 11q23.3.
Variant type: single nucleotide variant.
Coding change: c.10013C>T on transcript NM_001197104.2 (MANE Select); coding-DNA position 10013, C replaced by T.
Protein change: p.Ala3338Val; replaces alanine 3338 with valine.
Molecular consequence: missense variant.
Genome position (GRCh38, 1-based): chr11:118,505,905, C>T. VCF-style: chr11-118505905-C-T. GRCh37 (hg19) VCF-style: chr11-118376620-C-T.
Other names: c.10103C>T, p.Ala3368Val (NM_001412597.1); c.10004C>T, p.Ala3335Val (NM_005933.4); short protein forms A3335V, A3368V, A3338V.
Identifiers: ClinVar variation 1952139 (VCV001952139.6), dbSNP rs1950573332, ClinGen allele CA382822467.